The following is an entry in ClinVar:

ClinVar aggregate classification (germline): Uncertain significance (1 of 4 stars; one submission).

Submission:

Ambry Genetics
Classification: Uncertain significance. Last evaluated: 2023-06-01. Review status: criteria provided, single submitter. Criteria: Ambry Variant Classification Scheme 2023. Collection method: clinical testing. Allele origin: germline.
Comment: The p.I238L variant (also known as c.712A>C), located in coding exon 7 of the RAD54L gene, results from an A to C substitution at nucleotide position 712. The isoleucine at codon 238 is replaced by leucine, an amino acid with highly similar properties. This amino acid position is conserved. In addition, the in silico prediction for this alteration is inconclusive. Since supporting evidence is limited at this time, the clinical significance of this alteration remains unclear.

NM_003579.4(RAD54L):c.712A>C (p.Ile238Leu)

Gene: RAD54L (RAD54 like; plus strand). Cytogenetic location: 1p34.1.
Variant type: single nucleotide variant.
Coding change: c.712A>C on transcript NM_003579.4 (MANE Select); coding-DNA position 712, A replaced by C.
Protein change: p.Ile238Leu; replaces isoleucine 238 with leucine.
Molecular consequence: missense variant.
Genome position (GRCh38, 1-based): chr1:46,260,961, A>C. VCF-style: chr1-46260961-A-C. GRCh37 (hg19) VCF-style: chr1-46726633-A-C.
Other names: c.712A>C, p.Ile238Leu (NM_001142548.2); c.172A>C, p.Ile58Leu (NM_001370766.1); short protein forms I238L, I58L.
Identifiers: ClinVar variation 2560354 (VCV002560354.2), dbSNP rs1229620965, ClinGen allele CA340187605.